The following is an entry in ClinVar:

ClinVar aggregate classification (germline): Uncertain significance (1 of 4 stars; one submission).

Submission:

GeneDx
Classification: Uncertain significance. Last evaluated: 2025-08-09. Review status: criteria provided, single submitter. Criteria: GeneDx Variant Classification Process June 2021. Collection method: clinical testing. Allele origin: germline. Affected: yes.
Comment: Not observed at significant frequency in large population cohorts (gnomAD); In silico analysis supports that this missense variant has a deleterious effect on protein structure/function; Has not been previously published as pathogenic or benign to our knowledge

NM_000701.8(ATP1A1):c.2791T>G (p.Trp931Gly)

Genes: ATP1A1 (ATPase Na+/K+ transporting subunit alpha 1; plus strand), ATP1A1-AS1 (ATP1A1 antisense RNA 1; minus strand). Cytogenetic location: 1p13.1.
Variant type: single nucleotide variant.
Coding change: c.2791T>G on transcript NM_000701.8 (MANE Select); coding-DNA position 2791, T replaced by G.
Protein change: p.Trp931Gly; replaces tryptophan 931 with glycine.
Molecular consequence: missense variant.
Genome position (GRCh38, 1-based): chr1:116,401,202, T>G. VCF-style: chr1-116401202-T-G. GRCh37 (hg19) VCF-style: chr1-116943824-T-G.
Other names: c.2791T>G, p.Trp931Gly (NM_001160233.2); c.2698T>G, p.Trp900Gly (NM_001160234.2); short protein forms W900G, W931G.
Identifiers: ClinVar variation 4755685 (VCV004755685.1).
Genomic context (GRCh38, chr1:116,401,202, plus strand): 5'-AGGAAAATCGTGGAGTTCACCTGCCACACAGCCTTCTTCGTCAGTATCGTGGTGGTGCAG[T>G]GGGCCGACTTGGTCATCTGTAAGACCAGGAGGAATTCGGTCTTCCAGCAGGGGATGAAGT-3'
Protein context (NP_000692.2, residues 921-941): AFFVSIVVVQ[Trp931Gly]ADLVICKTRR